The following is an entry in ClinVar:

NM_000965.5(RARB):c.638T>C (p.Leu213Pro)

Gene: RARB (retinoic acid receptor beta; plus strand). Cytogenetic location: 3p24.2.
Variant type: single nucleotide variant.
Coding change: c.638T>C on transcript NM_000965.5 (MANE Select); coding-DNA position 638, T replaced by C.
Protein change: p.Leu213Pro; replaces leucine 213 with proline.
Molecular consequence: missense variant. On other transcripts: non-coding transcript variant (2).
Genome position (GRCh38, 1-based): chr3:25,580,574, T>C. VCF-style: chr3-25580574-T-C. GRCh37 (hg19) VCF-style: chr3-25622065-T-C.
Other names: c.659T>C, p.Leu220Pro (NM_001290216.3); c.302T>C, p.Leu101Pro (NM_001290217.2, NM_001290276.2, NM_016152.4); c.491T>C, p.Leu164Pro (NM_001290266.2); c.638T>C, p.Leu213Pro (NM_001290277.1); c.509T>C, p.Leu170Pro (NM_001290300.2); short protein forms L213P, L170P, L101P, L164P, L220P.
Identifiers: ClinVar variation 218339 (VCV000218339.10), dbSNP rs869025222, ClinGen allele CA358519.

ClinVar aggregate classification (germline): Pathogenic/Likely pathogenic. Review status: criteria provided, multiple submitters, no conflicts (2 of 4 stars). 5 submissions from 5 submitters: Pathogenic (2); Likely pathogenic (3). Last evaluated 2025-08-21.

Conditions:
Intellectual developmental disorder, autosomal dominant 48. Also called: Intellectual disability, autosomal dominant 48; MENTAL RETARDATION, AUTOSOMAL DOMINANT 48. Identifiers: Orphanet 500159, MedGen C4540321, MONDO:0030913, OMIM 617751.
Microphthalmia, syndromic 12 (MCOPS12). Also called: MICROPHTHALMIA WITH OR WITHOUT PULMONARY HYPOPLASIA, DIAPHRAGMATIC HERNIA, AND/OR CARDIAC DEFECTS. Identifiers: Orphanet 2470, Orphanet 689829, MedGen C3809803, MONDO:0014229, OMIM 615524.

Submissions (5):

Labcorp Genetics (formerly Invitae), Labcorp
Classification: Pathogenic for Microphthalmia, syndromic 12. Last evaluated: 2025-08-21. Review status: criteria provided, single submitter. Criteria: Invitae Variant Classification Sherloc (09022015). Collection method: clinical testing. Allele origin: germline.
Comment: This sequence change replaces leucine, which is neutral and non-polar, with proline, which is neutral and non-polar, at codon 213 of the RARB protein (p.Leu213Pro). This variant is not present in population databases (gnomAD no frequency). This missense change has been observed in individual(s) with autosomal dominant microphthalmia (PMID: 27120018, 37092537). In at least one individual the variant was observed to be de novo. ClinVar contains an entry for this variant (Variation ID: 218339). Invitae Evidence Modeling of protein sequence and biophysical properties (such as structural, functional, and spatial information, amino acid conservation, physicochemical variation, residue mobility, and thermodynamic stability) indicates that this missense variant is not expected to disrupt RARB protein function with a negative predictive value of 80%. Experimental studies have shown that this missense change affects RARB function (PMID: 27120018). For these reasons, this variant has been classified as Pathogenic.

Daryl Scott Lab, Baylor College of Medicine
Classification: Likely pathogenic for Intellectual developmental disorder, autosomal dominant 48. Last evaluated: 2023-11-10. Review status: criteria provided, single submitter. Criteria: ACMG Guidelines, 2015. Collection method: clinical testing. Allele origin: de novo. Affected: yes.

GeneDx
Classification: Pathogenic. Last evaluated: 2022-12-19. Review status: criteria provided, single submitter. Criteria: GeneDx Variant Classification Process June 2021. Collection method: clinical testing. Allele origin: germline. Affected: yes.
Comment: Published functional studies demonstrated increased transcriptional activity indicating a gain-of-function (Srour et al., 2016); Not observed at significant frequency in large population cohorts (gnomAD); In silico analysis supports that this missense variant has a deleterious effect on protein structure/function; This variant is associated with the following publications: (PMID: 27120018, 31359131, 30762128, 31216405)

Baylor Genetics
Classification: Likely pathogenic for Microphthalmia, syndromic 12. Last evaluated: 2017-12-31. Review status: criteria provided, single submitter. Criteria: ACMG Guidelines, 2015. Collection method: clinical testing. Allele origin: germline. Affected: yes.

CHU Sainte-Justine Research Center, University of Montreal
Classification: Likely pathogenic for Microphthalmia, syndromic 12. Last evaluated: 2015-01-01. Review status: criteria provided, single submitter. Criteria: ACMG Guidelines, 2015. Collection method: clinical testing. Allele origin: de novo. Inheritance: Sporadic. Affected: yes. Observed: 1 variant allele, 1 heterozygote.

Literature cited by the submitters: PubMed 27120018 (cited by Labcorp Genetics (formerly Invitae), Labcorp and Baylor Genetics); PubMed 37092537 (cited by Labcorp Genetics (formerly Invitae), Labcorp).